The following is an entry in ClinVar:

NM_001103.4(ACTN2):c.394_395delinsCT (p.Gly132Leu)

Gene: ACTN2 (actinin alpha 2; plus strand). Cytogenetic location: 1q43.
Variant type: Indel.
Coding change: c.394_395delinsCT on transcript NM_001103.4 (MANE Select); coding-DNA positions 394 to 395, GG replaced by CT.
Protein change: p.Gly132Leu; replaces glycine 132 with leucine.
Molecular consequence: missense variant. On other transcripts: 5 prime UTR variant (1).
Genome position (GRCh38, 1-based): chr1:236,720,137-236,720,138, GG replaced by CT. VCF-style: chr1-236720137-GG-CT. GRCh37 (hg19) VCF-style: chr1-236883437-GG-CT.
Other names: c.394_395delinsCT, p.Gly132Leu (NM_001278343.2); c.-428_-427delinsCT (NM_001278344.2); short protein forms G132L.
Identifiers: ClinVar variation 1320778 (VCV001320778.2), dbSNP rs2102896537, ClinGen allele CA2573051520.
Genomic context (GRCh38, chr1:236,720,137, plus strand): 5'-CATTAATTTGTTGTTTTCTTACCTGCAGAAATTGTTGATGGCAACGTGAAAATGACCCTG[GG>CT]TATGATCTGGACCATCATCCTTCGCTTTGCTATTCAGGATATTTCGGTTGAAGGTAAAAG-3'
Protein context (NP_001094.1, residues 122-142): IVDGNVKMTL[Gly132Leu]MIWTIILRFA

ClinVar aggregate classification (germline): Uncertain significance (1 of 4 stars; one submission).

Submission:

GeneDx
Classification: Uncertain significance. Last evaluated: 2020-01-30. Review status: criteria provided, single submitter. Criteria: GeneDx Variant Classification Process June 2021. Collection method: clinical testing. Allele origin: germline. Affected: yes.
Comment: Not observed in large population cohorts (Lek et al., 2016); In silico analysis supports a deleterious effect on protein structure/function; Has not been previously published as pathogenic or benign to our knowledge